The following is an entry in ClinVar:

ClinVar aggregate classification (germline): Conflicting classifications of pathogenicity. Review status: criteria provided, conflicting classifications (1 of 4 stars). 2 submissions from 2 submitters: Uncertain significance (1); Likely benign (1). Last evaluated 2023-12-22.

Conditions:
Maturity-onset diabetes of the young (MODY). Also called: Maturity onset diabetes mellitus in young. Identifiers: Orphanet 552, MedGen C0342276, MONDO:0018911, HP:0004904.

Allele frequency attached by ClinVar (database versions not stated): gnomAD 0.00001 and 0.00002; TOPMed 0.00003; gnomAD exomes 0.00004; ExAC 0.00005; 1000 Genomes Project 30x 0.00016; 1000 Genomes Project 0.00020.
gnomAD v4.1: 55 of 1,613,654 alleles (0.0034%); highest among the groups gnomAD compares: South Asian, 0.022%; no homozygotes.

Submissions (2):

Labcorp Genetics (formerly Invitae), Labcorp
Classification: Likely benign. Last evaluated: 2023-12-22. Review status: criteria provided, single submitter. Criteria: Invitae Variant Classification Sherloc (09022015). Collection method: clinical testing. Allele origin: germline.

Clinical Genomics, Uppaluri K&H Personalized Medicine Clinic
Classification: Uncertain significance for Maturity-onset diabetes of the young. Review status: criteria provided, single submitter. Criteria: K & H Uppaluri Personalized Medicine Clinic Variant Classification & Assertion Criteria_Updated V.1. Collection method: research. Allele origin: somatic. Inheritance: Autosomal dominant inheritance.
Comment: Mutations in KCNJ11 gene can cause decreased production and secretion of insulin. This can lead to MODY which may be responsive to oral sulfonylureas. It is also associated with Neonatal Diabetes. However, no sufficient evidence is found to ascertain the role of this particular variant (rs568688504) in MODY yet.

Literature cited by the submitters: PubMed 26448950 (cited by Clinical Genomics, Uppaluri K&H Personalized Medicine Clinic); PubMed 15580558 (cited by Clinical Genomics, Uppaluri K&H Personalized Medicine Clinic); PubMed 15718250 (cited by Clinical Genomics, Uppaluri K&H Personalized Medicine Clinic); PubMed 32935446 (cited by Clinical Genomics, Uppaluri K&H Personalized Medicine Clinic); PubMed 22701567 (cited by Clinical Genomics, Uppaluri K&H Personalized Medicine Clinic).

NM_000525.4(KCNJ11):c.480C>T (p.Asn160=)

Gene: KCNJ11 (potassium inwardly rectifying channel subfamily J member 11; minus strand). Cytogenetic location: 11p15.1.
Variant type: single nucleotide variant.
Coding change: c.480C>T on transcript NM_000525.4 (MANE Select); coding-DNA position 480, C replaced by T.
Protein change: p.Asn160=; no amino-acid change (asparagine 160 retained).
Molecular consequence: synonymous variant.
Genome position (GRCh38, 1-based): chr11:17,387,612, G>A on the plus strand (C>T on the coding strand, the complement: KCNJ11 is on the minus strand). VCF-style: chr11-17387612-G-A. GRCh37 (hg19) VCF-style: chr11-17409159-G-A.
Other names: c.219C>T, p.Asn73= (NM_001166290.2, NM_001377296.1, NM_001377297.1).
Identifiers: ClinVar variation 792463 (VCV000792463.12), dbSNP rs568688504, ClinGen allele CA5902287.